The following is an entry in ClinVar:

NM_000126.4(ETFA):c.79G>A (p.Glu27Lys)

Gene: ETFA (electron transfer flavoprotein subunit alpha; minus strand). Cytogenetic location: 15q24.2.
Variant type: single nucleotide variant.
Coding change: c.79G>A on transcript NM_000126.4 (MANE Select); coding-DNA position 79, G replaced by A.
Protein change: p.Glu27Lys; replaces glutamic acid 27 with lysine.
Molecular consequence: missense variant. On other transcripts: intron variant (1).
Genome position (GRCh38, 1-based): chr15:76,295,698, C>T on the plus strand (G>A on the coding strand, the complement: ETFA is on the minus strand). VCF-style: chr15-76295698-C-T. GRCh37 (hg19) VCF-style: chr15-76588039-C-T.
Other names: c.40-2998G>A (NM_001127716.2); short protein forms E27K.
Identifiers: ClinVar variation 1495769 (VCV001495769.8), dbSNP rs2141543849, ClinGen allele CA393518001.

ClinVar aggregate classification (germline): Uncertain significance (1 of 4 stars; one submission).

Conditions:
Multiple acyl-CoA dehydrogenase deficiency (MADD). Also called: Glutaric aciduria, type 2; Glutaric acidemia type II; GA 2; Glutaric Acidemia type 2; ETHYLMALONIC-ADIPICACIDURIA; GA II. Identifiers: Orphanet 26791, MedGen C0268596, MONDO:0009282, OMIM 231680.

Submission:

Labcorp Genetics (formerly Invitae), Labcorp
Classification: Uncertain significance for Multiple acyl-CoA dehydrogenase deficiency. Last evaluated: 2021-04-08. Review status: criteria provided, single submitter. Criteria: Invitae Variant Classification Sherloc (09022015). Collection method: clinical testing. Allele origin: germline.
Comment: In summary, the available evidence is currently insufficient to determine the role of this variant in disease. Therefore, it has been classified as a Variant of Uncertain Significance. Algorithms developed to predict the effect of missense changes on protein structure and function (SIFT, PolyPhen-2, Align-GVGD) all suggest that this variant is likely to be disruptive, but these predictions have not been confirmed by published functional studies and their clinical significance is uncertain. This variant has not been reported in the literature in individuals with ETFA-related conditions. This variant is not present in population databases (ExAC no frequency). This sequence change replaces glutamic acid with lysine at codon 27 of the ETFA protein (p.Glu27Lys). The glutamic acid residue is highly conserved and there is a small physicochemical difference between glutamic acid and lysine.